The following is an entry in ClinVar:

ClinVar aggregate classification (germline): Likely benign (1 of 4 stars; one submission).

Submission:

CeGaT Center for Human Genetics Tuebingen
Classification: Likely benign. Last evaluated: 2026-04-01. Review status: criteria provided, single submitter. Criteria: CeGaT Center For Human Genetics Tuebingen Variant Classification Criteria Version 2. Collection method: clinical testing. Allele origin: germline. Affected: yes. Observed: 2 variant alleles.
Comment: MUC5B: BP4, BP7

NM_002458.3(MUC5B):c.13581C>T (p.Ser4527=)

Gene: MUC5B (mucin 5B, oligomeric mucus/gel-forming; plus strand). Cytogenetic location: 11p15.5.
Variant type: single nucleotide variant.
Coding change: c.13581C>T on transcript NM_002458.3 (MANE Select); coding-DNA position 13581, C replaced by T.
Protein change: p.Ser4527=; no amino-acid change (serine 4527 retained).
Molecular consequence: synonymous variant.
Genome position (GRCh38, 1-based): chr11:1,250,461, C>T. VCF-style: chr11-1250461-C-T. GRCh37 (hg19) VCF-style: chr11-1271691-C-T.
Identifiers: ClinVar variation 4872023 (VCV004872023.2).
Genomic context (GRCh38, chr11:1,250,461, plus strand): 5'-TCCAGCACTGAGAAGCACAGCCACCACACCCACAGCTACCAGCTTTACAGCCATCCCCTC[C>T]TCCTCCCTGGGCACCACCTGGACCCGCCTATCACAGACCACCACACCCACGGCCACCATG-3'
Protein context (NP_002449.2, residues 4517-4537): PTATSFTAIP[Ser4527=]SSLGTTWTRL